The following is an entry in ClinVar:

ClinVar aggregate classification (germline): Uncertain significance. Review status: criteria provided, multiple submitters, no conflicts (2 of 4 stars). 2 submissions from 2 submitters: Uncertain significance (2). Last evaluated 2025-03-26.

Conditions:
Ehlers-Danlos syndrome, type 4 (EDSVASC). Also called: Ehlers-Danlos syndrome vascular type; Ehlers Danlos syndrome, ecchymotic type; Ehlers Danlos syndrome, arterial type; Ehlers Danlos syndrome, Sack-Barabas type; Ehlers-Danlos Syndrome Type IV. Identifiers: Orphanet 286, MedGen C0268338, MONDO:0017314, OMIM 130050.

Submissions (2):

GeneDx
Classification: Uncertain significance. Last evaluated: 2025-03-26. Review status: criteria provided, single submitter. Criteria: GeneDx Variant Classification Process June 2021. Collection method: clinical testing. Allele origin: germline. Affected: yes.
Comment: Not observed at significant frequency in large population cohorts (gnomAD); In silico analysis indicates that this missense variant does not alter protein structure/function; Has not been previously published as pathogenic or benign to our knowledge; Occurs in the triple helical domain at the Y position in the canonical Gly-X-Y repeat; although this variant may have an effect on normal protein folding and function, missense substitution at the [X/Y] position is not a common mechanism of disease (HGMD)

Labcorp Genetics (formerly Invitae), Labcorp
Classification: Uncertain significance for Ehlers-Danlos syndrome, type 4. Last evaluated: 2025-03-25. Review status: criteria provided, single submitter. Criteria: Invitae Variant Classification Sherloc (09022015). Collection method: clinical testing. Allele origin: germline.
Comment: This sequence change replaces glutamine, which is neutral and polar, with arginine, which is basic and polar, at codon 998 of the COL3A1 protein (p.Gln998Arg). This variant is not present in population databases (gnomAD no frequency). This variant has not been reported in the literature in individuals affected with COL3A1-related conditions. ClinVar contains an entry for this variant (Variation ID: 1445364). Invitae Evidence Modeling of protein sequence and biophysical properties (such as structural, functional, and spatial information, amino acid conservation, physicochemical variation, residue mobility, and thermodynamic stability) indicates that this missense variant is not expected to disrupt COL3A1 protein function with a negative predictive value of 95%. In summary, the available evidence is currently insufficient to determine the role of this variant in disease. Therefore, it has been classified as a Variant of Uncertain Significance.

NM_000090.4(COL3A1):c.2993A>G (p.Gln998Arg)

Gene: COL3A1 (collagen type III alpha 1 chain; plus strand). Cytogenetic location: 2q32.2.
Variant type: single nucleotide variant.
Coding change: c.2993A>G on transcript NM_000090.4 (MANE Select); coding-DNA position 2993, A replaced by G.
Protein change: p.Gln998Arg; replaces glutamine 998 with arginine.
Molecular consequence: missense variant.
Genome position (GRCh38, 1-based): chr2:189,005,411, A>G. VCF-style: chr2-189005411-A-G. GRCh37 (hg19) VCF-style: chr2-189870137-A-G.
Other names: c.2993A>G (NM_000090.3); short protein forms Q998R.
Identifiers: ClinVar variation 1445364 (VCV001445364.6), dbSNP rs139859476, ClinGen allele CA349844792.